The following is an entry in ClinVar:

NM_002497.4(NEK2):c.1234G>A (p.Asp412Asn)

Gene: NEK2 (NIMA related kinase 2; minus strand). Cytogenetic location: 1q32.3.
Variant type: single nucleotide variant.
Coding change: c.1234G>A on transcript NM_002497.4 (MANE Select); coding-DNA position 1234, G replaced by A.
Protein change: p.Asp412Asn; replaces aspartic acid 412 with asparagine.
Molecular consequence: missense variant. On other transcripts: intron variant (1).
Genome position (GRCh38, 1-based): chr1:211,663,530, C>T on the plus strand (G>A on the coding strand, the complement: NEK2 is on the minus strand). VCF-style: chr1-211663530-C-T. GRCh37 (hg19) VCF-style: chr1-211836872-C-T.
Other names: c.1111+3576G>A (NM_001204182.2); short protein forms D412N.
Identifiers: ClinVar variation 3698042 (VCV003698042.2).
Genomic context (GRCh38, chr1:211,663,530, plus strand): 5'-TCTCAATATCTGACAGGGCTTGAGCCCGCAGCTGGGCAGCGTGAAGCCTTTTCTTCAGGT[C>T]CTTGCACTTGGACTTAGATGTGAGCTGACTCTCAGAATTCTCACTCCTCATGATGTTCTC-3'
Protein context (NP_002488.1, residues 402-422): SQLTSKSKCK[Asp412Asn]LKKRLHAAQL

ClinVar aggregate classification (germline): Uncertain significance (1 of 4 stars; one submission).

gnomAD v4.1: 64 of 1,613,860 alleles (0.004%); highest among the groups gnomAD compares: Non-Finnish European, 0.0053%; no homozygotes.

Submission:

Labcorp Genetics (formerly Invitae), Labcorp
Classification: Uncertain significance. Last evaluated: 2024-10-26. Review status: criteria provided, single submitter. Criteria: Invitae Variant Classification Sherloc (09022015). Collection method: clinical testing. Allele origin: germline.
Comment: This sequence change replaces aspartic acid, which is acidic and polar, with asparagine, which is neutral and polar, at codon 412 of the NEK2 protein (p.Asp412Asn). This variant is present in population databases (rs748521808, gnomAD 0.004%). This variant has not been reported in the literature in individuals affected with NEK2-related conditions. An algorithm developed to predict the effect of missense changes on protein structure and function (PolyPhen-2) suggests that this variant is likely to be tolerated. In summary, the available evidence is currently insufficient to determine the role of this variant in disease. Therefore, it has been classified as a Variant of Uncertain Significance.